The following is an entry in ClinVar:

ClinVar aggregate classification (germline): Uncertain significance. Review status: criteria provided, multiple submitters, no conflicts (2 of 4 stars). 3 submissions from 3 submitters: Uncertain significance (3). Last evaluated 2024-12-17.

Conditions:
Arrhythmogenic right ventricular cardiomyopathy (ARVD). Also called: Arrhythmogenic cardiomyopathy; Cardiomyopathy, ARVC; Arrhythmogenic right ventricular dysplasia; Arrhythmogenic Right Ventricular Cardiomyopathy (ARVC). Identifiers: Orphanet 247, MedGen C0349788, MeSH D019571, MONDO:0016587. Disease mechanism: loss of function. Inheritance: Various modes of inheritance.
Cardiomyopathy (CMYO). Also called: Cardiomyopathies. Identifiers: Orphanet 167848, MedGen C0878544, MONDO:0004994, HP:0001638. Inheritance: Various modes of inheritance.
Arrhythmogenic right ventricular dysplasia 9 (ARVD9). Also called: Arrhythmogenic Right Ventricular Dysplasia/Cardiomyopathy 9; ARRHYTHMOGENIC RIGHT VENTRICULAR DYSPLASIA, FAMILIAL, 9. Identifiers: MedGen C1836906, MONDO:0012180, OMIM 609040.

Allele frequency attached by ClinVar (database versions not stated): TOPMed below 0.00001; gnomAD 0.00001; gnomAD exomes 0.00001.
gnomAD v4.1: 8 of 1,601,530 alleles (0.0005%); highest among the groups gnomAD compares: South Asian, 0.0022%; no homozygotes.

Submissions (3):

Labcorp Genetics (formerly Invitae), Labcorp
Classification: Uncertain significance for Arrhythmogenic right ventricular dysplasia 9. Last evaluated: 2024-12-17. Review status: criteria provided, single submitter. Criteria: Invitae Variant Classification Sherloc (09022015). Collection method: clinical testing. Allele origin: germline.
Comment: This sequence change replaces arginine, which is basic and polar, with cysteine, which is neutral and slightly polar, at codon 101 of the PKP2 protein (p.Arg101Cys). This variant is not present in population databases (gnomAD no frequency). This variant has not been reported in the literature in individuals affected with PKP2-related conditions. ClinVar contains an entry for this variant (Variation ID: 918683). An algorithm developed to predict the effect of missense changes on protein structure and function outputs the following: PolyPhen-2: "Benign". The cysteine amino acid residue is found in multiple mammalian species, which suggests that this missense change does not adversely affect protein function. In summary, the available evidence is currently insufficient to determine the role of this variant in disease. Therefore, it has been classified as a Variant of Uncertain Significance.

All of Us Research Program, National Institutes of Health
Classification: Uncertain significance for Arrhythmogenic right ventricular cardiomyopathy. Last evaluated: 2024-07-29. Review status: criteria provided, single submitter. Criteria: ACMG Guidelines, 2015. Collection method: clinical testing. Allele origin: germline. Inheritance: Autosomal dominant inheritance. Observed: 2 variant alleles, 2 heterozygotes.
Comment: This missense variant replaces arginine with cysteine at codon 101 of the PKP2 protein. Computational prediction suggests that this variant may not impact protein structure and function (internally defined REVEL score threshold <= 0.5, PMID: 27666373). To our knowledge, functional studies have not been reported for this variant. This variant has not been reported in individuals affected with cardiovascular disorders in the literature. This variant has not been identified in the general population by the Genome Aggregation Database (gnomAD). The available evidence is insufficient to determine the role of this variant in disease conclusively. Therefore, this variant is classified as a Variant of Uncertain Significance.

This study involves interpretation of variants in research participants for the purpose of population health screening. Participant phenotype was not available at the time of variant classification. Additional details can be found in publication PMID: 35346344, PMCID: PMC8962531

Color Diagnostics, LLC DBA Color Health
Classification: Uncertain significance for Cardiomyopathy. Last evaluated: 2024-07-17. Review status: criteria provided, single submitter. Criteria: ACMG Guidelines, 2015. Collection method: clinical testing. Allele origin: germline.
Comment: This missense variant replaces arginine with cysteine at codon 101 of the PKP2 protein. Computational prediction suggests that this variant may not impact protein structure and function. To our knowledge, functional studies have not been reported for this variant. This variant has not been reported in individuals affected with cardiovascular disorders in the literature. This variant has not been identified in the general population by the Genome Aggregation Database (gnomAD). The available evidence is insufficient to determine the role of this variant in disease conclusively. Therefore, this variant is classified as a Variant of Uncertain Significance.

NM_001005242.3(PKP2):c.301C>T (p.Arg101Cys)

Gene: PKP2 (plakophilin 2; minus strand). Cytogenetic location: 12p11.21.
Variant type: single nucleotide variant.
Coding change: c.301C>T on transcript NM_001005242.3 (MANE Select); coding-DNA position 301, C replaced by T.
Protein change: p.Arg101Cys; replaces arginine 101 with cysteine.
Molecular consequence: missense variant.
Genome position (GRCh38, 1-based): chr12:32,878,955, G>A on the plus strand (C>T on the coding strand, the complement: PKP2 is on the minus strand). VCF-style: chr12-32878955-G-A. GRCh37 (hg19) VCF-style: chr12-33031889-G-A.
Other names: c.301C>T, p.Arg101Cys (NM_004572.4); short protein forms R101C.
Identifiers: ClinVar variation 918683 (VCV000918683.10), dbSNP rs796827562, ClinGen allele CA235267357.
Genomic context (GRCh38, chr12:32,878,955, plus strand): 5'-AGGGTTACATTCTTTGATATCCTACCTTTAGCATGTCATAGGTTTTAGGAACAGGGGAAC[G>A]GCCTCCAACAAAATCATTTTCAACCAAGTGTAGGTTGTAGACATACTCAGGAACACTGCT-3'
Protein context (NP_001005242.2, residues 91-111): HLVENDFVGG[Arg101Cys]SPVPKTYDML